The following is an entry in ClinVar:

NM_001372.4(DNAH9):c.5266C>T (p.Gln1756Ter)

Gene: DNAH9 (dynein axonemal heavy chain 9; plus strand). Cytogenetic location: 17p12.
Variant type: single nucleotide variant.
Coding change: c.5266C>T on transcript NM_001372.4 (MANE Select); coding-DNA position 5266, C replaced by T.
Protein change: p.Gln1756Ter; replaces glutamine 1756 with a stop codon.
Molecular consequence: nonsense.
Genome position (GRCh38, 1-based): chr17:11,704,317, C>T. VCF-style: chr17-11704317-C-T. GRCh37 (hg19) VCF-style: chr17-11607634-C-T.
Other names: short protein forms Q1756*.
Identifiers: ClinVar variation 1710144 (VCV001710144.3), dbSNP rs2544454642, ClinGen allele CA398184796.

ClinVar aggregate classification (germline): Pathogenic. Review status: criteria provided, single submitter (1 of 4 stars). 2 submissions from 2 submitters: Pathogenic (1). 1 of the submissions does not count toward it. Last evaluated 2024-03-20.

Conditions:
Ciliary dyskinesia, primary, 40. Also called: CILIARY DYSKINESIA, PRIMARY, 40, WITH OR WITHOUT SITUS INVERSUS. Identifiers: MedGen C4749028, MONDO:0032664, OMIM 618300.

Allele frequency attached by ClinVar (database versions not stated): gnomAD exomes below 0.00001.
gnomAD v4.1: 1 of 1,614,120 alleles (0.000062%); highest among the groups gnomAD compares: African/African-American, 0.0013%; no homozygotes.

Submissions (2):

Labcorp Genetics (formerly Invitae), Labcorp
Classification: Pathogenic. Last evaluated: 2024-03-20. Review status: criteria provided, single submitter. Criteria: Invitae Variant Classification Sherloc (09022015). Collection method: clinical testing. Allele origin: germline.
Comment: This sequence change creates a premature translational stop signal (p.Gln1756*) in the DNAH9 gene. It is expected to result in an absent or disrupted protein product. Loss-of-function variants in DNAH9 are known to be pathogenic (PMID: 30471718). This variant is not present in population databases (gnomAD no frequency). This variant has not been reported in the literature in individuals affected with DNAH9-related conditions. ClinVar contains an entry for this variant (Variation ID: 1710144). For these reasons, this variant has been classified as Pathogenic.

Center of Excellence for Medical Genomics, Chulalongkorn University
Classification: Pathogenic for Ciliary dyskinesia, primary, 40. Last evaluated: 2022-10-05. Review status: no assertion criteria provided. Criteria: ACMG Guidelines, 2015. Collection method: research. Allele origin: germline. Affected: yes. Not counted in ClinVar's aggregate classification.

Literature cited by the submitters: PubMed 30471718 (cited by Labcorp Genetics (formerly Invitae), Labcorp).